The following is an entry in ClinVar:

NM_005763.4(AASS):c.2339A>C (p.Lys780Thr)

Gene: AASS (aminoadipate-semialdehyde synthase; minus strand). Cytogenetic location: 7q31.32.
Variant type: single nucleotide variant.
Coding change: c.2339A>C on transcript NM_005763.4 (MANE Select); coding-DNA position 2339, A replaced by C.
Protein change: p.Lys780Thr; replaces lysine 780 with threonine.
Molecular consequence: missense variant.
Genome position (GRCh38, 1-based): chr7:122,079,654, T>G on the plus strand (A>C on the coding strand, the complement: AASS is on the minus strand). VCF-style: chr7-122079654-T-G. GRCh37 (hg19) VCF-style: chr7-121719708-T-G.
Other names: short protein forms K780T.
Identifiers: ClinVar variation 1220244 (VCV001220244.7), dbSNP rs147475291, ClinGen allele CA4458054.

ClinVar aggregate classification (germline): Uncertain significance. Review status: criteria provided, multiple submitters, no conflicts (2 of 4 stars). 3 submissions from 3 submitters: Uncertain significance (2). 1 of the submissions does not count toward it. Last evaluated 2023-07-12.

Conditions:
Hyperlysinemia. Also called: Hyperlysinemias. Identifiers: Orphanet 2203, MedGen C0268553, MONDO:0009388, HP:0002161.

Allele frequency attached by ClinVar (database versions not stated): 1000 Genomes Project 30x 0.00031; 1000 Genomes Project 0.00040; ExAC 0.00068; gnomAD exomes 0.00079; gnomAD 0.00092 and 0.00097; TOPMed 0.00095; ESP Exome Variant Server 0.00169.
gnomAD v4.1: 2,152 of 1,614,080 alleles (0.13%); highest among the groups gnomAD compares: Non-Finnish European, 0.16%; 3 homozygotes.

Submissions (3):

Labcorp Genetics (formerly Invitae), Labcorp
Classification: Uncertain significance. Last evaluated: 2023-07-12. Review status: criteria provided, single submitter. Criteria: Invitae Variant Classification Sherloc (09022015). Collection method: clinical testing. Allele origin: germline.
Comment: Advanced modeling of protein sequence and biophysical properties (such as structural, functional, and spatial information, amino acid conservation, physicochemical variation, residue mobility, and thermodynamic stability) performed at Invitae indicates that this missense variant is not expected to disrupt AASS protein function. In summary, the available evidence is currently insufficient to determine the role of this variant in disease. Therefore, it has been classified as a Variant of Uncertain Significance. ClinVar contains an entry for this variant (Variation ID: 1220244). This variant has not been reported in the literature in individuals affected with AASS-related conditions. This variant is present in population databases (rs147475291, gnomAD 0.2%), and has an allele count higher than expected for a pathogenic variant. This sequence change replaces lysine, which is basic and polar, with threonine, which is neutral and polar, at codon 780 of the AASS protein (p.Lys780Thr).

GeneDx
Classification: Uncertain significance. Last evaluated: 2019-11-16. Review status: criteria provided, single submitter. Criteria: GeneDx Variant Classification Process June 2021. Collection method: clinical testing. Allele origin: germline. Affected: yes.
Comment: Has not been previously published as pathogenic or benign to our knowledge; In silico analysis, which includes protein predictors and evolutionary conservation, supports a deleterious effect

Zotz-Klimas Genetics Lab, MVZ Zotz Klimas
Classification: Uncertain significance for HYPERLYSINEMIA, TYPE I. Last evaluated: 2023-10-30. Review status: no assertion criteria provided. Collection method: clinical testing. Allele origin: germline. Affected: yes. Not counted in ClinVar's aggregate classification.